The following is an entry in ClinVar:

ClinVar aggregate classification (germline): Conflicting classifications of pathogenicity. Review status: criteria provided, conflicting classifications (1 of 4 stars). 2 submissions from 2 submitters: Uncertain significance (1); Benign (1). Last evaluated 2025-09-03.

Allele frequency attached by ClinVar (database versions not stated): gnomAD exomes 0.00005; ESP Exome Variant Server 0.00008; gnomAD 0.00022; TOPMed 0.00024; ExAC 0.00006.
gnomAD v4.1: 109 of 1,600,358 alleles (0.0068%); highest among the groups gnomAD compares: African/African-American, 0.048%; 1 homozygote.

Submissions (2):

Labcorp Genetics (formerly Invitae), Labcorp
Classification: Benign. Last evaluated: 2025-09-03. Review status: criteria provided, single submitter. Criteria: Invitae Variant Classification Sherloc (09022015). Collection method: clinical testing. Allele origin: germline.

GeneDx
Classification: Uncertain significance. Last evaluated: 2025-03-12. Review status: criteria provided, single submitter. Criteria: GeneDx Variant Classification Process June 2021. Collection method: clinical testing. Allele origin: germline.
Comment: Identified in a patient with severe ichthyosis congenita who also harbored a de novo variant in the MBTPS2 gene and a second variant in the ITGB4 gene in published literature (PMID: 37042943); In silico analysis indicates that this missense variant does not alter protein structure/function; This variant is associated with the following publications: (PMID: 37042943)

NM_000213.5(ITGB4):c.1940C>T (p.Thr647Met)

Gene: ITGB4 (integrin subunit beta 4; plus strand). Cytogenetic location: 17q25.1.
Variant type: single nucleotide variant.
Coding change: c.1940C>T on transcript NM_000213.5 (MANE Select); coding-DNA position 1940, C replaced by T.
Protein change: p.Thr647Met; replaces threonine 647 with methionine.
Molecular consequence: missense variant.
Genome position (GRCh38, 1-based): chr17:75,736,644, C>T. VCF-style: chr17-75736644-C-T. GRCh37 (hg19) VCF-style: chr17-73732725-C-T.
Other names: c.1940C>T, p.Thr647Met (NM_001005619.2, NM_001005731.3, NM_001321123.2); short protein forms T647M.
Identifiers: ClinVar variation 2084800 (VCV002084800.6), dbSNP rs150688188, ClinGen allele CA8769194.